The following is an entry in ClinVar:

ClinVar aggregate classification (germline): Likely benign. Review status: criteria provided, multiple submitters, no conflicts (2 of 4 stars). 3 submissions from 3 submitters: Likely benign (3). Last evaluated 2025-11-06.

Conditions:
Leber congenital amaurosis 4 (LCA4). Identifiers: MedGen C1858386, MONDO:0011458, OMIM 604393.
AIPL1-related disorder. Also called: AIPL1-related condition; AIPL1-related disorders. Identifiers: MedGen CN239169.

Allele frequency attached by ClinVar (database versions not stated): TOPMed below 0.00001; gnomAD 0.00001; gnomAD exomes 0.00002.
gnomAD v4.1: 43 of 1,614,094 alleles (0.0027%); highest among the groups gnomAD compares: Non-Finnish European, 0.0034%; no homozygotes.

Submissions (3):

Labcorp Genetics (formerly Invitae), Labcorp
Classification: Likely benign for Leber congenital amaurosis 4. Last evaluated: 2025-11-06. Review status: criteria provided, single submitter. Criteria: Invitae Variant Classification Sherloc (09022015). Collection method: clinical testing. Allele origin: germline.

PreventionGenetics, part of Exact Sciences
Classification: Likely benign for AIPL1-related condition. Last evaluated: 2024-12-13. Review status: criteria provided, single submitter. Criteria: ACMG Guidelines, 2015. Collection method: clinical testing. Allele origin: germline.
Comment: This variant is classified as likely benign based on ACMG/AMP sequence variant interpretation guidelines (Richards et al. 2015 PMID: 25741868, with internal and published modifications).

Blueprint Genetics
Classification: Likely benign. Last evaluated: 2022-10-13. Review status: criteria provided, single submitter. Criteria: ACMG Guidelines, 2015. Collection method: clinical testing. Allele origin: germline.

NM_014336.5(AIPL1):c.531G>A (p.Ala177=)

Gene: AIPL1 (AIP like 1 HSP90 co-chaperone; minus strand). Cytogenetic location: 17p13.2.
Variant type: single nucleotide variant.
Coding change: c.531G>A on transcript NM_014336.5 (MANE Select); coding-DNA position 531, G replaced by A.
Protein change: p.Ala177=; no amino-acid change (alanine 177 retained).
Molecular consequence: synonymous variant.
Genome position (GRCh38, 1-based): chr17:6,426,992, C>T on the plus strand (G>A on the coding strand, the complement: AIPL1 is on the minus strand). VCF-style: chr17-6426992-C-T. GRCh37 (hg19) VCF-style: chr17-6330312-C-T.
Other names: c.342G>A, p.Ala114= (NM_001033054.3); c.351G>A, p.Ala117= (NM_001033055.3); c.495G>A, p.Ala165= (NM_001285399.3); c.465G>A, p.Ala155= (NM_001285400.3); c.531G>A, p.Ala177= (NM_001285401.3); c.414G>A, p.Ala138= (NM_001285402.2); c.507G>A, p.Ala169= (NM_001285403.4); c.531G>A (NM_014336.4).
Identifiers: ClinVar variation 1458202 (VCV001458202.10), dbSNP rs902464819, ClinGen allele CA287324995.